The following is an entry in ClinVar:

ClinVar aggregate classification (germline): Uncertain significance. Review status: criteria provided, multiple submitters, no conflicts (2 of 4 stars). 2 submissions from 2 submitters: Uncertain significance (2). Last evaluated 2025-12-10.

Conditions:
Inborn genetic diseases. Identifiers: MedGen C0950123, MeSH D030342.

Allele frequency attached by ClinVar (database versions not stated): TOPMed below 0.00001; gnomAD 0.00001.

Submissions (2):

Ambry Genetics
Classification: Uncertain significance for Inborn genetic diseases. Last evaluated: 2025-12-10. Review status: criteria provided, single submitter. Criteria: Ambry Variant Classification Scheme 2023. Collection method: clinical testing. Allele origin: germline.

Labcorp Genetics (formerly Invitae), Labcorp
Classification: Uncertain significance. Last evaluated: 2022-08-19. Review status: criteria provided, single submitter. Criteria: Invitae Variant Classification Sherloc (09022015). Collection method: clinical testing. Allele origin: germline.
Comment: In summary, the available evidence is currently insufficient to determine the role of this variant in disease. Therefore, it has been classified as a Variant of Uncertain Significance. Advanced modeling of protein sequence and biophysical properties (such as structural, functional, and spatial information, amino acid conservation, physicochemical variation, residue mobility, and thermodynamic stability) performed at Invitae indicates that this missense variant is not expected to disrupt GRIN2D protein function. This variant has not been reported in the literature in individuals affected with GRIN2D-related conditions. The frequency data for this variant in the population databases is considered unreliable, as metrics indicate insufficient coverage at this position in the gnomAD database. This sequence change replaces cysteine, which is neutral and slightly polar, with tyrosine, which is neutral and polar, at codon 1046 of the GRIN2D protein (p.Cys1046Tyr).

NM_000836.4(GRIN2D):c.3137G>A (p.Cys1046Tyr)

Gene: GRIN2D (glutamate ionotropic receptor NMDA type subunit 2D; plus strand). Cytogenetic location: 19q13.33.
Variant type: single nucleotide variant.
Coding change: c.3137G>A on transcript NM_000836.4 (MANE Select); coding-DNA position 3137, G replaced by A.
Protein change: p.Cys1046Tyr; replaces cysteine 1046 with tyrosine.
Molecular consequence: missense variant.
Genome position (GRCh38, 1-based): chr19:48,443,063, G>A. VCF-style: chr19-48443063-G-A. GRCh37 (hg19) VCF-style: chr19-48946320-G-A.
Other names: c.3137G>A (NM_000836.2); short protein forms C1046Y.
Identifiers: ClinVar variation 2092252 (VCV002092252.5), dbSNP rs1324968833, ClinGen allele CA406674948.
Genomic context (GRCh38, chr19:48,443,063, plus strand): 5'-GCTTCCCGTCGCCGCCCGCGCCCCCCGCCGCCGCGGCCACCGCCGTCGGGCCGCCACTCT[G>A]CCGCTTGGCCTTCGAGGACGAGAGCCCGCCGGCGCCCGCGCGGTGGCCGCGCTCGGACCC-3'
Protein context (NP_000827.2, residues 1036-1056): AAATAVGPPL[Cys1046Tyr]RLAFEDESPP